The following is an entry in ClinVar:

ClinVar aggregate classification (germline): Benign. Review status: criteria provided, multiple submitters, no conflicts (2 of 4 stars). 4 submissions from 4 submitters: Benign (4). Last evaluated 2024-07-15.

Conditions:
Nephrotic syndrome, type 3 (NPHS3). Also called: NEPHROTIC SYNDROME, EARLY-ONSET, TYPE 3. Identifiers: Orphanet 656, MedGen C1853124, MONDO:0012546, OMIM 610725.

Allele frequency attached by ClinVar (database versions not stated): gnomAD exomes 0.43571 and 0.43767; ExAC 0.43755; gnomAD 0.46637 and 0.46797; TOPMed 0.47535; ESP Exome Variant Server 0.47635; 1000 Genomes Project 0.48522; 1000 Genomes Project 30x 0.48798.
gnomAD v4.1: 710,150 of 1,609,604 alleles (44%); highest among the groups gnomAD compares: Middle Eastern, 57%; 158,558 homozygotes.

Submissions (4):

Unidad de Genómica Garrahan, Hospital de Pediatría Garrahan
Classification: Benign. Last evaluated: 2024-07-15. Review status: criteria provided, single submitter. Criteria: ACMG Guidelines, 2015. Collection method: clinical testing. Allele origin: germline. Affected: no. Observed: 52 variant alleles.
Comment: This variant is classified as Benign based on local population frequency. This variant was detected in 56% of patients studied in a panel designed for Epileptic and Developmental Encephalopathy and Progressive Myoclonus Epilepsy. Number of patients: 52. Only high quality variants are reported.

Genome-Nilou Lab
Classification: Benign for Nephrotic syndrome, type 3. Last evaluated: 2021-10-25. Review status: criteria provided, single submitter. Criteria: ACMG Guidelines, 2015. Collection method: clinical testing. Allele origin: germline. Affected: yes.

GeneDx
Classification: Benign. Last evaluated: 2018-11-12. Review status: criteria provided, single submitter. Criteria: GeneDx Variant Classification Process June 2021. Collection method: clinical testing. Allele origin: germline. Affected: yes.

Breakthrough Genomics
Classification: Benign. Review status: criteria provided, single submitter. Criteria: ACMG Guidelines, 2015. Collection method: not provided. Allele origin: germline. Inheritance: Autosomal recessive inheritance. Affected: yes.

NM_016341.4(PLCE1):c.3398-28C>G

Gene: PLCE1 (phospholipase C epsilon 1; plus strand). Cytogenetic location: 10q23.33.
Variant type: single nucleotide variant.
Coding change: c.3398-28C>G on transcript NM_016341.4 (MANE Select); 28 bases into the intron before coding-DNA position 3398, C replaced by G.
Molecular consequence: intron variant.
Genome position (GRCh38, 1-based): chr10:94,254,865, C>G. VCF-style: chr10-94254865-C-G. GRCh37 (hg19) VCF-style: chr10-96014622-C-G.
Other names: c.3398-28C>G (NM_001288989.2); c.2474-28C>G (NM_001165979.2).
Identifiers: ClinVar variation 1242804 (VCV001242804.7), dbSNP rs10786156, ClinGen allele CA5612868.
Genomic context (GRCh38, chr10:94,254,865, plus strand): 5'-ACATCCAGAAGCCTCTCTGGTTTGTATTTGGTTCTGAGGGAAAGTATAATCTGAGTCATT[C>G]TCTCTTTTCTGTCTTTCATCCTCACAGAGGTGAATGCCATCGCTAACCCTCCAAACCCCC-3'